The following is an entry in ClinVar:

NM_000179.3(MSH6):c.144G>C (p.Ala48=)

Gene: MSH6 (mutS homolog 6; plus strand). Cytogenetic location: 2p16.3.
Variant type: single nucleotide variant.
Coding change: c.144G>C on transcript NM_000179.3 (MANE Select); coding-DNA position 144, G replaced by C.
Protein change: p.Ala48=; no amino-acid change (alanine 48 retained).
Molecular consequence: synonymous variant. On other transcripts: 5 prime UTR variant (7), missense variant (1), non-coding transcript variant (5), intron variant (5).
Genome position (GRCh38, 1-based): chr2:47,783,377, G>C. VCF-style: chr2-47783377-G-C. GRCh37 (hg19) VCF-style: chr2-48010516-G-C.
Other names: c.144G>C, p.Ala48= (NM_001281492.2, NM_001406795.1, NM_001406796.1 and 9 more transcripts); c.-593G>C (NM_001281493.2, NM_001406811.1); c.-185G>C (NM_001406799.1); c.89G>C, p.Arg30Pro (NM_001406804.1); c.-785G>C (NM_001406807.1); c.-440G>C (NM_001406812.1); c.-851G>C (NM_001406814.1); c.-396G>C (NM_001406816.1); and 3 more; short protein forms R30P.
Identifiers: ClinVar variation 1772913 (VCV001772913.3), dbSNP rs1572698177, ClinGen allele CA346734926.

ClinVar aggregate classification (germline): Benign/Likely benign. Review status: criteria provided, multiple submitters, no conflicts (2 of 4 stars). 2 submissions from 2 submitters: Benign (1); Likely benign (1). Last evaluated 2024-12-17.

Conditions:
Hereditary cancer-predisposing syndrome. Also called: Hereditary Cancer Syndrome; Hereditary neoplastic syndrome; Neoplastic Syndromes, Hereditary; Tumor predisposition. Identifiers: Orphanet 140162, MedGen C0027672, MeSH D009386, MONDO:0015356.
Lynch syndrome 5 (LYNCH5). Also called: Hereditary non-polyposis colorectal cancer, type 5; Colorectal cancer, hereditary nonpolyposis, type 5. Identifiers: Orphanet 144, MedGen C1833477, MONDO:0013710, OMIM 614350. Disease mechanism: loss of function.

Submissions (2):

Myriad Genetics, Inc.
Classification: Benign for Lynch syndrome 5. Last evaluated: 2024-12-17. Review status: criteria provided, single submitter. Criteria: Myriad Autosomal Dominant, Autosomal Recessive and X-Linked Classification Criteria (2023). Collection method: clinical testing. Allele origin: unknown.
Comment: This variant is considered benign. This variant is a silent/synonymous amino acid change and it is not expected to impact splicing.

Ambry Genetics
Classification: Likely benign for Hereditary cancer-predisposing syndrome. Last evaluated: 2019-12-29. Review status: criteria provided, single submitter. Criteria: Ambry Variant Classification Scheme 2023. Collection method: clinical testing. Allele origin: germline.